The following is an entry in ClinVar:

NM_001267550.2(TTN):c.24265G>C (p.Val8089Leu)

Gene: TTN (titin; minus strand). Cytogenetic location: 2q31.2.
Variant type: single nucleotide variant.
Coding change: c.24265G>C on transcript NM_001267550.2 (MANE Select); coding-DNA position 24265, G replaced by C.
Protein change: p.Val8089Leu; replaces valine 8089 with leucine.
Molecular consequence: missense variant. On other transcripts: intron variant (3).
Genome position (GRCh38, 1-based): chr2:178,718,935, C>G on the plus strand (G>C on the coding strand, the complement: TTN is on the minus strand). VCF-style: chr2-178718935-C-G. GRCh37 (hg19) VCF-style: chr2-179583662-C-G.
Other names: c.23314G>C, p.Val7772Leu (NM_001256850.1); c.20533G>C, p.Val6845Leu (NM_133378.4); c.13282+19147G>C (NM_003319.4); c.13858+19147G>C (NM_133437.4); c.13657+19147G>C (NM_133432.3); short protein forms V6845L, V7772L, V8089L.
Identifiers: ClinVar variation 2437450 (VCV002437450.5), dbSNP rs757252230, ClinGen allele CA2000457.

ClinVar aggregate classification (germline): Uncertain significance. Review status: criteria provided, multiple submitters, no conflicts (2 of 4 stars). 2 submissions from 2 submitters: Uncertain significance (2). Last evaluated 2024-03-20.

Allele frequency attached by ClinVar (database versions not stated): ExAC 0.00003; TOPMed 0.00003; gnomAD 0.00005; gnomAD exomes 0.00009.
gnomAD v4.1: 131 of 1,611,452 alleles (0.0081%); highest among the groups gnomAD compares: Non-Finnish European, 0.011%; no homozygotes.

Submissions (2):

Women's Health and Genetics/Laboratory Corporation of America, LabCorp
Classification: Uncertain significance. Last evaluated: 2024-03-20. Review status: criteria provided, single submitter. Criteria: LabCorp Variant Classification Summary - May 2015. Collection method: clinical testing. Allele origin: germline.
Comment: Variant summary: TTN c.20533G>C (p.Val6845Leu) results in a conservative amino acid change located in the I-band domain of the encoded protein sequence. Two of three in-silico tools predict a damaging effect of the variant on protein function. The variant allele was found at a frequency of 2.9e-05 in 244794 control chromosomes. The available data on variant occurrences in the general population are insufficient to allow any conclusion about variant significance. To our knowledge, no occurrence of c.20533G>C in individuals affected with Limb-Girdle Muscular Dystrophy, Type 2J and no experimental evidence demonstrating its impact on protein function have been reported. ClinVar contains an entry for this variant (Variation ID: 2437450). Based on the evidence outlined above, the variant was classified as uncertain significance.

Revvity Omics, Revvity
Classification: Uncertain significance. Last evaluated: 2019-11-26. Review status: criteria provided, single submitter. Criteria: ACMG Guidelines, 2015. Collection method: clinical testing. Allele origin: germline.